The following is an entry in ClinVar:

NM_007315.4(STAT1):c.1469C>T (p.Pro490Leu)

Gene: STAT1 (signal transducer and activator of transcription 1; minus strand). Cytogenetic location: 2q32.2.
Variant type: single nucleotide variant.
Coding change: c.1469C>T on transcript NM_007315.4 (MANE Select); coding-DNA position 1469, C replaced by T.
Protein change: p.Pro490Leu; replaces proline 490 with leucine.
Molecular consequence: missense variant.
Genome position (GRCh38, 1-based): chr2:190,982,496, G>A on the plus strand (C>T on the coding strand, the complement: STAT1 is on the minus strand). VCF-style: chr2-190982496-G-A. GRCh37 (hg19) VCF-style: chr2-191847222-G-A.
Other names: c.1409C>T, p.Pro470Leu (NM_001384880.1); c.1475C>T, p.Pro492Leu (NM_001384881.1, NM_001384884.1); c.1463C>T, p.Pro488Leu (NM_001384882.1); c.1370C>T, p.Pro457Leu (NM_001384883.1); c.1310C>T, p.Pro437Leu (NM_001384885.1); c.1469C>T, p.Pro490Leu (NM_001384886.1, NM_001384889.1, NM_139266.3); c.1376C>T, p.Pro459Leu (NM_001384887.1); c.1439C>T, p.Pro480Leu (NM_001384888.1); and 2 more; short protein forms P459L, P480L, P502L, P437L, P457L, P492L, P460L, P470L.
Identifiers: ClinVar variation 1461575 (VCV001461575.6), dbSNP rs2125018475, ClinGen allele CA349916823.
Genomic context (GRCh38, chr2:190,982,496, plus strand): 5'-GTGACAGAAGAAAACTGCCAACTCAGCACTTCTGAAAGCTGAGCCCATCGTGCACATGGT[G>A]GAGTCAGGAAGAAGGACAGATTCTAGAGAGAAAACACCCAAAATCTAAGGGTTACTACAG-3'
Protein context (NP_009330.1, residues 480-500): EPRNLSFFLT[Pro490Leu]PCARWAQLSE

ClinVar aggregate classification (germline): Uncertain significance (1 of 4 stars; one submission).

Conditions:
Mendelian susceptibility to mycobacterial diseases due to partial STAT1 deficiency. Also called: IMMUNODEFICIENCY 31A, MYCOBACTERIOSIS, AUTOSOMAL DOMINANT; STAT1 DEFICIENCY, AUTOSOMAL DOMINANT; Immunodeficiency 31a. Identifiers: Orphanet 319595, MedGen C4013950, MONDO:0013956, OMIM 614892.
Immunodeficiency 31B. Also called: STAT1 DEFICIENCY, AUTOSOMAL RECESSIVE; IMMUNODEFICIENCY 31B, MYCOBACTERIAL AND VIRAL INFECTIONS, AUTOSOMAL RECESSIVE. Identifiers: Orphanet 391311, MedGen C3151088, MONDO:0013427, OMIM 613796.
Autoimmune enteropathy and endocrinopathy - susceptibility to chronic infections syndrome. Also called: Immunodeficiency 31C, autosomal dominant; Immunodeficiency 31C. Identifiers: Orphanet 391487, MedGen C3279990, MONDO:0013599, OMIM 614162.

Submission:

Labcorp Genetics (formerly Invitae), Labcorp
Classification: Uncertain significance for Mendelian susceptibility to mycobacterial diseases due to partial STAT1 deficiency; Immunodeficiency 31B; Autoimmune enteropathy and endocrinopathy - susceptibility to chronic infections syndrome. Last evaluated: 2024-03-11. Review status: criteria provided, single submitter. Criteria: Invitae Variant Classification Sherloc (09022015). Collection method: clinical testing. Allele origin: germline.
Comment: This sequence change replaces proline, which is neutral and non-polar, with leucine, which is neutral and non-polar, at codon 490 of the STAT1 protein (p.Pro490Leu). This variant is not present in population databases (gnomAD no frequency). This variant has not been reported in the literature in individuals affected with STAT1-related conditions. ClinVar contains an entry for this variant (Variation ID: 1461575). An algorithm developed to predict the effect of missense changes on protein structure and function (PolyPhen-2) suggests that this variant is likely to be disruptive. In summary, the available evidence is currently insufficient to determine the role of this variant in disease. Therefore, it has been classified as a Variant of Uncertain Significance.